The following is an entry in ClinVar:

NM_020884.7(MYH7B):c.4052G>A (p.Arg1351Gln)

Gene: MYH7B (myosin heavy chain 7B; plus strand). Cytogenetic location: 20q11.22.
Variant type: single nucleotide variant.
Coding change: c.4052G>A on transcript NM_020884.7 (MANE Select); coding-DNA position 4052, G replaced by A.
Protein change: p.Arg1351Gln; replaces arginine 1351 with glutamine.
Molecular consequence: missense variant.
Genome position (GRCh38, 1-based): chr20:34,998,777, G>A. VCF-style: chr20-34998777-G-A. GRCh37 (hg19) VCF-style: chr20-33586580-G-A.
Other names: short protein forms R1351Q.
Identifiers: ClinVar variation 2190832 (VCV002190832.4), dbSNP rs755786154, ClinGen allele CA9827984.
Genomic context (GRCh38, chr20:34,998,777, plus strand): 5'-AGGCCAAGAGTGCCCTGGCCCACGCCGTGCAGGCTCTGCGGCACGACTGTGACCTCCTGC[G>A]GGAGCAACACGAGGAGGAGGCTGAGGCCCAGGCTGAGCTGCAGCGGCTGCTGTCCAAGGC-3'
Protein context (NP_065935.4, residues 1341-1361): QALRHDCDLL[Arg1351Gln]EQHEEEAEAQ

ClinVar aggregate classification (germline): Uncertain significance (1 of 4 stars; one submission).

Allele frequency attached by ClinVar (database versions not stated): gnomAD 0.00001; gnomAD exomes 0.00001; ExAC 0.00003; TOPMed 0.00004.

Submission:

Labcorp Genetics (formerly Invitae), Labcorp
Classification: Uncertain significance. Last evaluated: 2022-04-12. Review status: criteria provided, single submitter. Criteria: Invitae Variant Classification Sherloc (09022015). Collection method: clinical testing. Allele origin: germline.
Comment: This variant has not been reported in the literature in individuals affected with MYH7B-related conditions. In summary, the available evidence is currently insufficient to determine the role of this variant in disease. Therefore, it has been classified as a Variant of Uncertain Significance. Algorithms developed to predict the effect of sequence changes on RNA splicing suggest that this variant may create or strengthen a splice site. Algorithms developed to predict the effect of missense changes on protein structure and function (SIFT, PolyPhen-2, Align-GVGD) all suggest that this variant is likely to be disruptive. This variant is present in population databases (rs755786154, gnomAD 0.008%). This sequence change replaces arginine, which is basic and polar, with glutamine, which is neutral and polar, at codon 1393 of the MYH7B protein (p.Arg1393Gln).